The following is an entry in ClinVar:

NM_004958.4(MTOR):c.2285C>T (p.Ser762Phe)

Gene: MTOR (mechanistic target of rapamycin kinase; minus strand). Cytogenetic location: 1p36.22.
Variant type: single nucleotide variant.
Coding change: c.2285C>T on transcript NM_004958.4 (MANE Select); coding-DNA position 2285, C replaced by T.
Protein change: p.Ser762Phe; replaces serine 762 with phenylalanine.
Molecular consequence: missense variant.
Genome position (GRCh38, 1-based): chr1:11,234,189, G>A on the plus strand (C>T on the coding strand, the complement: MTOR is on the minus strand). VCF-style: chr1-11234189-G-A. GRCh37 (hg19) VCF-style: chr1-11294246-G-A.
Other names: short protein forms S762F.
Identifiers: ClinVar variation 841239 (VCV000841239.12), dbSNP rs982468860, ClinGen allele CA17936939.

ClinVar aggregate classification (germline): Conflicting classifications of pathogenicity. Review status: criteria provided, conflicting classifications (1 of 4 stars). 3 submissions from 3 submitters: Uncertain significance (1); Likely benign (2). Last evaluated 2025-11-15.

Conditions:
Inborn genetic diseases. Identifiers: MedGen C0950123, MeSH D030342.

Allele frequency attached by ClinVar (database versions not stated): gnomAD exomes below 0.00001 and 0.00001; gnomAD 0.00002 and 0.00003; TOPMed 0.00005.
gnomAD v4.1: 13 of 1,614,040 alleles (0.00081%); highest among the groups gnomAD compares: Admixed American, 0.01%; no homozygotes.

Submissions (3):

Labcorp Genetics (formerly Invitae), Labcorp
Classification: Likely benign. Last evaluated: 2025-11-15. Review status: criteria provided, single submitter. Criteria: Invitae Variant Classification Sherloc (09022015). Collection method: clinical testing. Allele origin: germline.

Ambry Genetics
Classification: Uncertain significance for Inborn genetic diseases. Last evaluated: 2023-10-31. Review status: criteria provided, single submitter. Criteria: Ambry Variant Classification Scheme 2023. Collection method: clinical testing. Allele origin: germline.

GeneDx
Classification: Likely benign. Last evaluated: 2021-06-07. Review status: criteria provided, single submitter. Criteria: GeneDx Variant Classification Process June 2021. Collection method: clinical testing. Allele origin: germline. Affected: yes.
Comment: In silico analysis supports that this missense variant has a deleterious effect on protein structure/function; Has not been previously published as pathogenic or benign to our knowledge